The following is an entry in ClinVar:

ClinVar aggregate classification (germline): Uncertain significance (1 of 4 stars; one submission).

Submission:

GeneDx
Classification: Uncertain significance. Last evaluated: 2026-01-26. Review status: criteria provided, single submitter. Criteria: GeneDx Variant Classification Process June 2021. Collection method: clinical testing. Allele origin: germline.
Comment: Not observed at significant frequency in large population cohorts (gnomAD); In silico analysis supports that this missense variant has a deleterious effect on protein structure/function; Has not been previously published as pathogenic or benign to our knowledge

NM_006494.4(ERF):c.315G>T (p.Lys105Asn)

Gene: ERF (ETS2 repressor factor; minus strand). Cytogenetic location: 19q13.2.
Variant type: single nucleotide variant.
Coding change: c.315G>T on transcript NM_006494.4 (MANE Select); coding-DNA position 315, G replaced by T.
Protein change: p.Lys105Asn; replaces lysine 105 with asparagine.
Molecular consequence: missense variant. On other transcripts: 5 prime UTR variant (1).
Genome position (GRCh38, 1-based): chr19:42,249,885, C>A on the plus strand (G>T on the coding strand, the complement: ERF is on the minus strand). VCF-style: chr19-42249885-C-A. GRCh37 (hg19) VCF-style: chr19-42754037-C-A.
Other names: c.90G>T, p.Lys30Asn (NM_001301035.2, NM_001308402.2, NM_001312656.2 and 1 more transcripts); c.-493G>T (NM_001440421.1); short protein forms K105N, K30N.
Identifiers: ClinVar variation 4888091 (VCV004888091.1).